The following is an entry in ClinVar:

NM_001101.5(ACTB):c.497A>G (p.Tyr166Cys)

Gene: ACTB (actin beta; minus strand). Cytogenetic location: 7p22.1.
Variant type: single nucleotide variant.
Coding change: c.497A>G on transcript NM_001101.5 (MANE Select); coding-DNA position 497, A replaced by G.
Protein change: p.Tyr166Cys; replaces tyrosine 166 with cysteine.
Molecular consequence: missense variant.
Genome position (GRCh38, 1-based): chr7:5,528,586, T>C on the plus strand (A>G on the coding strand, the complement: ACTB is on the minus strand). VCF-style: chr7-5528586-T-C. GRCh37 (hg19) VCF-style: chr7-5568217-T-C.
Other names: short protein forms Y166C.
Identifiers: ClinVar variation 3649524 (VCV003649524.2).

ClinVar aggregate classification (germline): Uncertain significance (1 of 4 stars; one submission).

Conditions:
Baraitser-Winter syndrome 1 (BRWS1). Also called: BARAITSER-WINTER SYNDROME 1, ATYPICAL; PACHYGYRIA, MENTAL RETARDATION, EPILEPSY, AND CHARACTERISTIC FACIES; MENTAL RETARDATION WITH EPILEPSY AND CHARACTERISTIC FACIES; Cerebrofrontofacial syndrome. Identifiers: Orphanet 2649, Orphanet 2995, MedGen C1855722, MONDO:0009470, OMIM 243310.

Submission:

Labcorp Genetics (formerly Invitae), Labcorp
Classification: Uncertain significance for Baraitser-Winter syndrome 1. Last evaluated: 2024-10-15. Review status: criteria provided, single submitter. Criteria: Invitae Variant Classification Sherloc (09022015). Collection method: clinical testing. Allele origin: germline.
Comment: This sequence change replaces tyrosine, which is neutral and polar, with cysteine, which is neutral and slightly polar, at codon 166 of the ACTB protein (p.Tyr166Cys). This variant is not present in population databases (gnomAD no frequency). This variant has not been reported in the literature in individuals affected with ACTB-related conditions. Invitae Evidence Modeling of protein sequence and biophysical properties (such as structural, functional, and spatial information, amino acid conservation, physicochemical variation, residue mobility, and thermodynamic stability) indicates that this missense variant is not expected to disrupt ACTB protein function with a negative predictive value of 80%. In summary, the available evidence is currently insufficient to determine the role of this variant in disease. Therefore, it has been classified as a Variant of Uncertain Significance.